The following is an entry in ClinVar:

ClinVar aggregate classification (germline): Uncertain significance (1 of 4 stars; one submission).

Conditions:
Inborn genetic diseases. Identifiers: MedGen C0950123, MeSH D030342.

Submission:

Ambry Genetics
Classification: Uncertain significance for Inborn genetic diseases. Last evaluated: 2025-10-28. Review status: criteria provided, single submitter. Criteria: Ambry Variant Classification Scheme 2023. Collection method: clinical testing. Allele origin: germline.
Comment: The c.1748A>G (p.K583R) alteration is located in exon 10 (coding exon 10) of the ATP2B1 gene. This alteration results from an A to G substitution at nucleotide position 1748, causing the lysine (K) at amino acid position 583 to be replaced by an arginine (R). This variant was not reported in population-based cohorts in the Genome Aggregation Database (gnomAD). This amino acid position is highly conserved in available vertebrate species. This missense alteration is located in a region that has a low rate of benign missense variation (Lek, 2016; Firth, 2009). This alteration is predicted to be deleterious by in silico analysis. Based on insufficient or conflicting evidence, the clinical significance of this alteration remains unclear.

NM_001366521.1(ATP2B1):c.1748A>G (p.Lys583Arg)

Gene: ATP2B1 (ATPase plasma membrane Ca2+ transporting 1; minus strand). Cytogenetic location: 12q21.33.
Variant type: single nucleotide variant.
Coding change: c.1748A>G on transcript NM_001366521.1 (MANE Select); coding-DNA position 1748, A replaced by G.
Protein change: p.Lys583Arg; replaces lysine 583 with arginine.
Molecular consequence: missense variant. On other transcripts: non-coding transcript variant (3).
Genome position (GRCh38, 1-based): chr12:89,620,080, T>C on the plus strand (A>G on the coding strand, the complement: ATP2B1 is on the minus strand). VCF-style: chr12-89620080-T-C. GRCh37 (hg19) VCF-style: chr12-90013857-T-C.
Other names: c.1748A>G, p.Lys583Arg (NM_001413046.1, NM_001413047.1, NM_001413049.1 and 12 more transcripts); c.1709A>G, p.Lys570Arg (NM_001413048.1); c.1607A>G, p.Lys536Arg (NM_001413051.1, NM_001413052.1, NM_001413055.1); c.1550A>G, p.Lys517Arg (NM_001413053.1, NM_001366530.1); c.1505A>G, p.Lys502Arg (NM_001413054.1); c.1187A>G, p.Lys396Arg (NM_001366531.1, NM_001366532.1, NM_001413058.1 and 2 more transcripts); c.1493A>G, p.Lys498Arg (NM_001413056.1); c.1295A>G, p.Lys432Arg (NM_001413057.1); short protein forms K498R, K502R, K583R, K396R, K517R, K536R, K570R, K432R.
Identifiers: ClinVar variation 4591078 (VCV004591078.1).
Genomic context (GRCh38, chr12:89,620,080, plus strand): 5'-GCACCCTTGCTGAATATTCGATAACTTCCATCTGAATTTTTCAGGACAGTACTCATGGAC[T>C]TCCTAACAGAATTGAAGGTGTAGACTTTGTACAGTGCTTCTTCTGGTATTTCATTTCTAA-3'
Protein context (NP_001353450.1, residues 573-593): YKVYTFNSVR[Lys583Arg]SMSTVLKNSD